The following is an entry in ClinVar:

NM_000081.4(LYST):c.8887C>A (p.Gln2963Lys)

Gene: LYST (lysosomal trafficking regulator; minus strand). Cytogenetic location: 1q42.3.
Variant type: single nucleotide variant.
Coding change: c.8887C>A on transcript NM_000081.4 (MANE Select); coding-DNA position 8887, C replaced by A.
Protein change: p.Gln2963Lys; replaces glutamine 2963 with lysine.
Molecular consequence: missense variant.
Genome position (GRCh38, 1-based): chr1:235,731,092, G>T on the plus strand (C>A on the coding strand, the complement: LYST is on the minus strand). VCF-style: chr1-235731092-G-T. GRCh37 (hg19) VCF-style: chr1-235894392-G-T.
Other names: c.8887C>A, p.Gln2963Lys (NM_001301365.1); short protein forms Q2963K.
Identifiers: ClinVar variation 1996770 (VCV001996770.4), dbSNP rs2527531141, ClinGen allele CA344950028.

ClinVar aggregate classification (germline): Uncertain significance (1 of 4 stars; one submission).

Conditions:
Chédiak-Higashi syndrome (CHS). Also called: Chediak-Higashi Syndrome. Identifiers: Orphanet 167, MedGen C0007965, MONDO:0008963, OMIM 214500.

Submission:

Labcorp Genetics (formerly Invitae), Labcorp
Classification: Uncertain significance for Chédiak-Higashi syndrome. Last evaluated: 2022-09-01. Review status: criteria provided, single submitter. Criteria: Invitae Variant Classification Sherloc (09022015). Collection method: clinical testing. Allele origin: germline.
Comment: This variant is not present in population databases (gnomAD no frequency). This sequence change replaces glutamine, which is neutral and polar, with lysine, which is basic and polar, at codon 2963 of the LYST protein (p.Gln2963Lys). This variant has not been reported in the literature in individuals affected with LYST-related conditions. Algorithms developed to predict the effect of missense changes on protein structure and function are either unavailable or do not agree on the potential impact of this missense change (SIFT: "Tolerated"; PolyPhen-2: "Probably Damaging"; Align-GVGD: "Class C0"). In summary, the available evidence is currently insufficient to determine the role of this variant in disease. Therefore, it has been classified as a Variant of Uncertain Significance.